The following is an entry in ClinVar:

NM_004304.5(ALK):c.310C>T (p.Pro104Ser)

Gene: ALK (ALK receptor tyrosine kinase; minus strand). Cytogenetic location: 2p23.1.
Variant type: single nucleotide variant.
Coding change: c.310C>T on transcript NM_004304.5 (MANE Select); coding-DNA position 310, C replaced by T.
Protein change: p.Pro104Ser; replaces proline 104 with serine.
Molecular consequence: missense variant.
Genome position (GRCh38, 1-based): chr2:29,920,350, G>A on the plus strand (C>T on the coding strand, the complement: ALK is on the minus strand). VCF-style: chr2-29920350-G-A. GRCh37 (hg19) VCF-style: chr2-30143216-G-A.
Other names: short protein forms P104S.
Identifiers: ClinVar variation 239819 (VCV000239819.21), dbSNP rs576431612, ClinGen allele CA1595006.

ClinVar aggregate classification (germline): Conflicting classifications of pathogenicity. Review status: criteria provided, conflicting classifications (1 of 4 stars). 5 submissions from 5 submitters: Uncertain significance (2); Benign (1); Likely benign (2). Last evaluated 2026-01-13.

Conditions:
Hereditary cancer-predisposing syndrome. Also called: Neoplastic Syndromes, Hereditary; Tumor predisposition; Hereditary neoplastic syndrome; Hereditary Cancer Syndrome. Identifiers: Orphanet 140162, MedGen C0027672, MeSH D009386, MONDO:0015356.
Neuroblastoma, susceptibility to, 3. Also called: ALK-Related Neuroblastic Tumor Susceptibility. Identifiers: Orphanet 635, MedGen C2751681, MONDO:0013083, OMIM 613014.

Allele frequency attached by ClinVar (database versions not stated): 1000 Genomes Project 30x 0.00016; TOPMed 0.00017; 1000 Genomes Project 0.00020; gnomAD 0.00026.
gnomAD v4.1: 86 of 1,552,140 alleles (0.0055%); highest among the groups gnomAD compares: African/African-American, 0.072%; no homozygotes.

Submissions (5):

Labcorp Genetics (formerly Invitae), Labcorp
Classification: Likely benign for Neuroblastoma, susceptibility to, 3. Last evaluated: 2026-01-13. Review status: criteria provided, single submitter. Criteria: Invitae Variant Classification Sherloc (09022015). Collection method: clinical testing. Allele origin: germline.

GeneDx
Classification: Uncertain significance. Last evaluated: 2025-01-22. Review status: criteria provided, single submitter. Criteria: GeneDx Variant Classification Process June 2021. Collection method: clinical testing. Allele origin: germline. Affected: yes.
Comment: In silico analysis indicates that this missense variant does not alter protein structure/function; Has not been previously published as pathogenic or benign to our knowledge

Ambry Genetics
Classification: Likely benign for Hereditary cancer-predisposing syndrome. Last evaluated: 2022-01-18. Review status: criteria provided, single submitter. Criteria: Ambry Variant Classification Scheme 2023. Collection method: clinical testing. Allele origin: germline.

Sema4
Classification: Benign for Hereditary cancer-predisposing syndrome. Last evaluated: 2021-12-09. Review status: criteria provided, single submitter. Criteria: Sema4 Curation Guidelines. Collection method: curation. Allele origin: germline.

Fulgent Genetics
Classification: Uncertain significance for Neuroblastoma, susceptibility to, 3. Last evaluated: 2018-10-31. Review status: criteria provided, single submitter. Criteria: ACMG Guidelines, 2015. Collection method: clinical testing. Allele origin: unknown.